The following is an entry in ClinVar:

NM_001267550.2(TTN):c.75158G>C (p.Trp25053Ser)

Genes: TTN (titin; minus strand), TTN-AS1 (TTN antisense RNA 1; plus strand). Cytogenetic location: 2q31.2.
Variant type: single nucleotide variant.
Coding change: c.75158G>C on transcript NM_001267550.2 (MANE Select); coding-DNA position 75158, G replaced by C.
Protein change: p.Trp25053Ser; replaces tryptophan 25053 with serine.
Molecular consequence: missense variant.
Genome position (GRCh38, 1-based): chr2:178,570,974, C>G on the plus strand (G>C on the coding strand, the complement: TTN is on the minus strand). VCF-style: chr2-178570974-C-G. GRCh37 (hg19) VCF-style: chr2-179435701-C-G.
Other names: c.70235G>C, p.Trp23412Ser (NM_001256850.1); c.47963G>C, p.Trp15988Ser (NM_003319.4); c.67454G>C, p.Trp22485Ser (NM_133378.4); c.48338G>C, p.Trp16113Ser (NM_133432.3); c.48539G>C, p.Trp16180Ser (NM_133437.4); short protein forms W22485S, W25053S, W23412S, W15988S, W16113S, W16180S.
Identifiers: ClinVar variation 332782 (VCV000332782.8), dbSNP rs748412838, ClinGen allele CA1990091.
Genomic context (GRCh38, chr2:178,570,974, plus strand): 5'-TCAACTAGGCCAGTTACTTCAAAATGAGTGTCAATAATATTTGTAAAACTGGCTTTCATC[C>G]AACGGCCCTCAGGTAATTCTTTCTTCTCAACAATATAACCAGTGATCTTGCTTCCACCGT-3'
Protein context (NP_001254479.2, residues 25043-25063): VEKKELPEGR[Trp25053Ser]MKASFTNIID

ClinVar aggregate classification (germline): Conflicting classifications of pathogenicity. Review status: criteria provided, conflicting classifications (1 of 4 stars). 7 submissions from 3 submitters: Uncertain significance (5); Likely benign (2). Last evaluated 2025-09-29.

Conditions:
Dilated cardiomyopathy 1G (CMD1G). Identifiers: Orphanet 154, MedGen C1858763, MONDO:0011400, OMIM 604145.
Early-onset myopathy with fatal cardiomyopathy (CMYO5). Also called: CONGENITAL MYOPATHY 5 WITH CARDIOMYOPATHY; Salih Myopathy. Identifiers: Orphanet 289377, MedGen C2673677, MONDO:0012714, OMIM 611705. Disease mechanism: loss of function.
Autosomal recessive limb-girdle muscular dystrophy type 2J (LGMDR10). Also called: MUSCULAR DYSTROPHY, LIMB-GIRDLE, AUTOSOMAL RECESSIVE 10; Limb-girdle muscular dystrophy, type 2J. Identifiers: Orphanet 140922, MedGen C1837342, MONDO:0012127, OMIM 608807.
Myopathy, myofibrillar, 9, with early respiratory failure (MFM9). Also called: Myopathy, distal, with early respiratory failure, autosomal dominant; Hereditary myopathy with early respiratory failure; EDSTROM MYOPATHY; MYOPATHY, PROXIMAL, WITH EARLY RESPIRATORY MUSCLE INVOLVEMENT. Identifiers: Orphanet 178464, Orphanet 34521, MedGen C1863599, MONDO:0011362, OMIM 603689.
Tibial muscular dystrophy (TMD). Also called: Udd Distal Myopathy – Tibial Muscular Dystrophy; UDD MYOPATHY; Tibial muscular dystrophy, tardive. Identifiers: Orphanet 609, MedGen C1838244, MONDO:0010870, OMIM 600334.

Allele frequency attached by ClinVar (database versions not stated): gnomAD 0.00001; gnomAD exomes 0.00001 and 0.00003; TOPMed 0.00001; ExAC 0.00002.
gnomAD v4.1: 40 of 1,613,376 alleles (0.0025%); highest among the groups gnomAD compares: Non-Finnish European, 0.0033%; no homozygotes.

Submissions (7):

Women's Health and Genetics/Laboratory Corporation of America, LabCorp
Classification: Uncertain significance. Last evaluated: 2025-09-29. Review status: criteria provided, single submitter. Criteria: LabCorp Variant Classification Summary - May 2015. Collection method: clinical testing. Allele origin: germline.

Revvity Omics, Revvity
Classification: Uncertain significance. Last evaluated: 2023-02-08. Review status: criteria provided, single submitter. Criteria: ACMG Guidelines, 2015. Collection method: clinical testing. Allele origin: germline.

Illumina Laboratory Services, Illumina
Classification: Uncertain significance for Autosomal recessive limb-girdle muscular dystrophy type 2J. Last evaluated: 2018-01-13. Review status: criteria provided, single submitter. Criteria: ICSL Variant Classification Criteria 13 December 2019. Collection method: clinical testing. Allele origin: germline.

Illumina Laboratory Services, Illumina
Classification: Likely benign for Tibial muscular dystrophy. Last evaluated: 2018-01-13. Review status: criteria provided, single submitter. Criteria: ICSL Variant Classification Criteria 13 December 2019. Collection method: clinical testing. Allele origin: germline.
Comment: This variant was observed in the ICSL laboratory as part of a predisposition screen in an ostensibly healthy population. It had not been previously curated by ICSL or reported in the Human Gene Mutation Database (HGMD: prior to June 1st, 2018), and was therefore a candidate for classification through an automated scoring system. Utilizing variant allele frequency, disease prevalence and penetrance estimates, and inheritance mode, an automated score was calculated to assess if this variant is too frequent to cause the disease. Based on the score and internal cut-off values, a variant classified as likely benign is not then subjected to further curation. The score for this variant resulted in a classification of likely benign for this disease.

Illumina Laboratory Services, Illumina
Classification: Likely benign for Myopathy, myofibrillar, 9, with early respiratory failure. Last evaluated: 2018-01-13. Review status: criteria provided, single submitter. Criteria: ICSL Variant Classification Criteria 13 December 2019. Collection method: clinical testing. Allele origin: germline.
Comment: the same text as in the submission from Illumina Laboratory Services, Illumina above.

Illumina Laboratory Services, Illumina
Classification: Uncertain significance for Dilated cardiomyopathy 1G. Last evaluated: 2018-01-13. Review status: criteria provided, single submitter. Criteria: ICSL Variant Classification Criteria 13 December 2019. Collection method: clinical testing. Allele origin: germline.

Illumina Laboratory Services, Illumina
Classification: Uncertain significance for Early-onset myopathy with fatal cardiomyopathy. Last evaluated: 2018-01-13. Review status: criteria provided, single submitter. Criteria: ICSL Variant Classification Criteria 13 December 2019. Collection method: clinical testing. Allele origin: germline.